The following is an entry in ClinVar:

ClinVar aggregate classification (germline): Conflicting classifications of pathogenicity. Review status: criteria provided, conflicting classifications (1 of 4 stars). 2 submissions from 2 submitters: Likely pathogenic (1); Uncertain significance (1). Last evaluated 2025-09-13.

Conditions:
Long chain 3-hydroxyacyl-CoA dehydrogenase deficiency. Also called: LCHAD Deficiency; Deficiency of long-chain 3-hydroxyacyl-coenzyme A dehydrogenase. Identifiers: Orphanet 5, MedGen C3711645, MONDO:0012173, OMIM 609016.
Mitochondrial trifunctional protein deficiency. Identifiers: Orphanet 746, MedGen C1969443, MONDO:0012172.

Submissions (2):

GeneDx
Classification: Likely pathogenic. Last evaluated: 2025-09-13. Review status: criteria provided, single submitter. Criteria: GeneDx Variant Classification Process June 2021. Collection method: clinical testing. Allele origin: germline. Affected: yes.
Comment: Intronic variant directly or indirectly altering the +5 splice site in a gene for which loss of function is a known mechanism of disease, and splice predictors support a deleterious effect; Not observed at significant frequency in large population cohorts (gnomAD); Has not been previously published as pathogenic or benign to our knowledge

Labcorp Genetics (formerly Invitae), Labcorp
Classification: Uncertain significance for Mitochondrial trifunctional protein deficiency; Long chain 3-hydroxyacyl-CoA dehydrogenase deficiency. Last evaluated: 2024-06-12. Review status: criteria provided, single submitter. Criteria: Invitae Variant Classification Sherloc (09022015). Collection method: clinical testing. Allele origin: germline.
Comment: This sequence change falls in intron 9 of the HADHA gene. It does not directly change the encoded amino acid sequence of the HADHA protein. It affects a nucleotide within the consensus splice site. This variant is present in population databases (no rsID available, gnomAD 0.006%). This variant has not been reported in the literature in individuals affected with HADHA-related conditions. Variants that disrupt the consensus splice site are a relatively common cause of aberrant splicing (PMID: 17576681, 9536098). Algorithms developed to predict the effect of sequence changes on RNA splicing suggest that this variant may disrupt the consensus splice site. In summary, the available evidence is currently insufficient to determine the role of this variant in disease. Therefore, it has been classified as a Variant of Uncertain Significance.

Literature cited by the submitters: PubMed 17576681 (cited by Labcorp Genetics (formerly Invitae), Labcorp); PubMed 9536098 (cited by Labcorp Genetics (formerly Invitae), Labcorp).

NM_000182.5(HADHA):c.918+5G>A

Gene: HADHA (hydroxyacyl-CoA dehydrogenase trifunctional multienzyme complex subunit alpha; minus strand). Cytogenetic location: 2p23.3.
Variant type: single nucleotide variant.
Coding change: c.918+5G>A on transcript NM_000182.5 (MANE Select); 5 bases into the intron after coding-DNA position 918, G replaced by A.
Molecular consequence: intron variant.
Genome position (GRCh38, 1-based): chr2:26,214,438, C>T on the plus strand (G>A on the coding strand, the complement: HADHA is on the minus strand). VCF-style: chr2-26214438-C-T. GRCh37 (hg19) VCF-style: chr2-26437307-C-T.
Identifiers: ClinVar variation 3762611 (VCV003762611.3).